The following is an entry in ClinVar:

ClinVar aggregate classification (germline): Conflicting classifications of pathogenicity. Review status: criteria provided, conflicting classifications (1 of 4 stars). 4 submissions from 4 submitters: Uncertain significance (1); Likely benign (3). Last evaluated 2024-12-30.

Conditions:
CUL4B-related disorder. Also called: CUL4B-related condition.
X-linked intellectual disability Cabezas type (MRXSC). Also called: MENTAL RETARDATION, X-LINKED, SYNDROMIC 15; Intellectual developmental disorder, X-linked syndromic, Cabezas type; CABEZAS SYNDROME. Identifiers: Orphanet 85289, Orphanet 85293, MedGen C1845861, MONDO:0010306, OMIM 300354.
Inborn genetic diseases. Identifiers: MedGen C0950123, MeSH D030342.

Allele frequency attached by ClinVar (database versions not stated): gnomAD 0.00011; TOPMed 0.00016; gnomAD exomes below 0.00001.
gnomAD v4.1: 18 of 1,191,300 alleles (0.0015%); highest among the groups gnomAD compares: African/African-American, 0.025%; no homozygotes.

Submissions (4):

Mayo Clinic Laboratories, Mayo Clinic
Classification: Likely benign. Last evaluated: 2024-12-30. Review status: criteria provided, single submitter. Criteria: ACMG Guidelines, 2015. Collection method: clinical testing. Allele origin: germline. Observed: 1 variant allele.
Comment: BP4, BP7

PreventionGenetics, part of Exact Sciences
Classification: Likely benign for CUL4B-related condition. Last evaluated: 2024-11-25. Review status: criteria provided, single submitter. Criteria: ACMG Guidelines, 2015. Collection method: clinical testing. Allele origin: germline.
Comment: This variant is classified as likely benign based on ACMG/AMP sequence variant interpretation guidelines (Richards et al. 2015 PMID: 25741868, with internal and published modifications).

Labcorp Genetics (formerly Invitae), Labcorp
Classification: Likely benign for X-linked intellectual disability Cabezas type. Last evaluated: 2023-05-17. Review status: criteria provided, single submitter. Criteria: Invitae Variant Classification Sherloc (09022015). Collection method: clinical testing. Allele origin: germline.

Ambry Genetics
Classification: Uncertain significance for Inborn genetic diseases. Last evaluated: 2014-06-27. Review status: criteria provided, single submitter. Criteria: Ambry Variant Classification Scheme 2023. Collection method: clinical testing. Allele origin: germline.
Comment: The c.67+10T>C intronic variant results from a T to C substitution 10 nucleotides after coding exon 1 in the CUL4B gene. This variant was not reported in population based cohorts in the following databases: Database of Single Nucleotide Polymorphisms (dbSNP), NHLBI Exome Sequencing Project (ESP), and 1000 Genomes Project. In the ESP, this variant was not observed in 6503 samples with coverage at this position. This nucleotide position is not well conserved in available vertebrate species. Using the BDGP and ESEfinder splice site prediction tools, this alteration is not predicted to have any significant effect on this donor splice site; however, direct evidence is unavailable. Since supporting evidence is limited at this time, the clinical significance of this variant remains unclear.

NM_003588.4(CUL4B):c.67+10T>C

Gene: CUL4B (cullin 4B; minus strand). Cytogenetic location: Xq24.
Variant type: single nucleotide variant.
Coding change: c.67+10T>C on transcript NM_003588.4; 10 bases into the intron after coding-DNA position 67, T replaced by C.
Molecular consequence: intron variant.
Genome position (GRCh38, 1-based): chrX:120,574,541, A>G on the plus strand (T>C on the coding strand, the complement: CUL4B is on the minus strand). VCF-style: chrX-120574541-A-G. GRCh37 (hg19) VCF-style: chrX-119708396-A-G.
Other names: p.?.
Identifiers: ClinVar variation 1755003 (VCV001755003.7), dbSNP rs992197854, ClinGen allele CA334138480.